The following is an entry in ClinVar:

NM_133510.4(RAD51B):c.316-5T>G

Gene: RAD51B (RAD51 paralog B; plus strand). Cytogenetic location: 14q24.1.
Variant type: single nucleotide variant.
Coding change: c.316-5T>G on transcript NM_133510.4 (MANE Select); 5 bases into the intron before coding-DNA position 316, T replaced by G.
Molecular consequence: intron variant.
Genome position (GRCh38, 1-based): chr14:67,864,998, T>G. VCF-style: chr14-67864998-T-G. GRCh37 (hg19) VCF-style: chr14-68331715-T-G.
Other names: c.316-5T>G (NM_001321818.2, NM_001321809.2, NM_001321821.2 and 6 more transcripts); c.-42-5T>G (NM_001321817.2); c.202-5T>G (NM_001321815.1).
Identifiers: ClinVar variation 4842715 (VCV004842715.1).
Genomic context (GRCh38, chr14:67,864,998, plus strand): 5'-GCTTGTGATGTTTATCTAAAAAACTTTTTTTTTTTTTTTTTTTTTTTTTTTTTTTTTTTT[T>G]TTAGATTACAGGTCCACCAGGTTGTGGAAAAACTCAGTTTTGTATAATGATGAGCATTTT-3'

ClinVar aggregate classification (germline): Uncertain significance (1 of 4 stars; one submission).

Submission:

Ambry Genetics
Classification: Uncertain significance. Last evaluated: 2026-01-13. Review status: criteria provided, single submitter. Criteria: Ambry Variant Classification Scheme 2023. Collection method: clinical testing. Allele origin: germline.
Comment: The c.316-5T>G intronic variant results from a T to G substitution 5 nucleotides upstream from coding exon 4 in the RAD51B gene. This nucleotide position is well conserved in available vertebrate species. In silico splice site analysis for this alteration is inconclusive. The evidence for this gene-disease relationship is limited; therefore, the clinical significance of this alteration is unclear.